The following is an entry in ClinVar:

NM_002226.5(JAG2):c.1956C>T (p.Ile652=)

Gene: JAG2 (jagged canonical Notch ligand 2; minus strand). Cytogenetic location: 14q32.33.
Variant type: single nucleotide variant.
Coding change: c.1956C>T on transcript NM_002226.5 (MANE Select); coding-DNA position 1956, C replaced by T.
Protein change: p.Ile652=; no amino-acid change (isoleucine 652 retained).
Molecular consequence: synonymous variant.
Genome position (GRCh38, 1-based): chr14:105,148,809, G>A on the plus strand (C>T on the coding strand, the complement: JAG2 is on the minus strand). VCF-style: chr14-105148809-G-A. GRCh37 (hg19) VCF-style: chr14-105615146-G-A.
Other names: c.1842C>T, p.Ile614= (NM_145159.3).
Identifiers: ClinVar variation 3041750 (VCV003041750.2), dbSNP rs775456413, ClinGen allele CA7385790.
Genomic context (GRCh38, chr14:105,148,809, plus strand): 5'-GTCGCAGAGCTCGCCCTCCCAGCCGCTGGGGCAGAAGCAGCGGAAGGCGTCCACCTCATC[G>A]ATGCATGTGCCCCCATTGCGGCAGGGCTGGCCCAGGCAGTCGTCAATGTCTGCAGAGGCG-3'
Protein context (NP_002217.3, residues 642-662): GQPCRNGGTC[Ile652=]DEVDAFRCFC

ClinVar aggregate classification (germline): Likely benign (0 of 4 stars; one submission).

Conditions:
JAG2-related disorder. Also called: JAG2-related condition.

Allele frequency attached by ClinVar (database versions not stated): ExAC 0.00007.
gnomAD v4.1: 21 of 1,598,876 alleles (0.0013%); highest among the groups gnomAD compares: Admixed American, 0.014%; no homozygotes.

Submission:

PreventionGenetics, part of Exact Sciences
Classification: Likely benign for JAG2-related condition. Last evaluated: 2019-05-09. Review status: no assertion criteria provided. Collection method: clinical testing. Allele origin: germline.
Comment: This variant is classified as likely benign based on ACMG/AMP sequence variant interpretation guidelines (Richards et al. 2015 PMID: 25741868, with internal and published modifications).